The following is an entry in ClinVar:

ClinVar aggregate classification (germline): Uncertain significance (1 of 4 stars; one submission).

Allele frequency attached by ClinVar (database versions not stated): gnomAD exomes below 0.00001.
gnomAD v4.1: 2 of 1,613,938 alleles (0.00012%); highest among the groups gnomAD compares: Non-Finnish European, 0.00017%; no homozygotes.

Submission:

Labcorp Genetics (formerly Invitae), Labcorp
Classification: Uncertain significance. Last evaluated: 2021-12-02. Review status: criteria provided, single submitter. Criteria: Invitae Variant Classification Sherloc (09022015). Collection method: clinical testing. Allele origin: germline.
Comment: In summary, the available evidence is currently insufficient to determine the role of this variant in disease. Therefore, it has been classified as a Variant of Uncertain Significance. Algorithms developed to predict the effect of sequence changes on RNA splicing suggest that this variant may create or strengthen a splice site. Algorithms developed to predict the effect of missense changes on protein structure and function are either unavailable or do not agree on the potential impact of this missense change (SIFT: "Deleterious"; PolyPhen-2: "Benign"; Align-GVGD: "Class C25"). This variant has not been reported in the literature in individuals affected with MYH3-related conditions. This variant is not present in population databases (gnomAD no frequency). This sequence change replaces histidine, which is basic and polar, with arginine, which is basic and polar, at codon 1197 of the MYH3 protein (p.His1197Arg).

NM_002470.4(MYH3):c.3590A>G (p.His1197Arg)

Gene: MYH3 (myosin heavy chain 3; minus strand). Cytogenetic location: 17p13.1.
Variant type: single nucleotide variant.
Coding change: c.3590A>G on transcript NM_002470.4 (MANE Select); coding-DNA position 3590, A replaced by G.
Protein change: p.His1197Arg; replaces histidine 1197 with arginine.
Molecular consequence: missense variant.
Genome position (GRCh38, 1-based): chr17:10,638,182, T>C on the plus strand (A>G on the coding strand, the complement: MYH3 is on the minus strand). VCF-style: chr17-10638182-T-C. GRCh37 (hg19) VCF-style: chr17-10541499-T-C.
Other names: short protein forms H1197R.
Identifiers: ClinVar variation 1442914 (VCV001442914.6), dbSNP rs2142395345, ClinGen allele CA398151219.